The following is an entry in ClinVar:

NM_000587.4(C7):c.1897C>G (p.Leu633Val)

Gene: C7 (complement C7; plus strand). Cytogenetic location: 5p13.1.
Variant type: single nucleotide variant.
Coding change: c.1897C>G on transcript NM_000587.4 (MANE Select); coding-DNA position 1897, C replaced by G.
Protein change: p.Leu633Val; replaces leucine 633 with valine.
Molecular consequence: missense variant.
Genome position (GRCh38, 1-based): chr5:40,972,417, C>G. VCF-style: chr5-40972417-C-G. GRCh37 (hg19) VCF-style: chr5-40972519-C-G.
Other names: short protein forms L633V.
Identifiers: ClinVar variation 1957460 (VCV001957460.3), dbSNP rs748589147, ClinGen allele CA3250146.
Genomic context (GRCh38, chr5:40,972,417, plus strand): 5'-TTTAGGAGAGCAACGACCCTTATATTTTGCTCTCTTTTATCTTTAGAAATTGCCTGTGTT[C>G]TACCTGTACTGATGGATGGCATACAGAGTCACCCCCAAAAACCTTTCTACACAGTTGGTG-3'
Protein context (NP_000578.2, residues 623-643): EMHCQKIACV[Leu633Val]PVLMDGIQSH

ClinVar aggregate classification (germline): Uncertain significance. Review status: criteria provided, multiple submitters, no conflicts (2 of 4 stars). 2 submissions from 2 submitters: Uncertain significance (2). Last evaluated 2025-06-07.

Conditions:
Inborn genetic diseases. Identifiers: MedGen C0950123, MeSH D030342.

Allele frequency attached by ClinVar (database versions not stated): gnomAD exomes below 0.00001; TOPMed below 0.00001; ExAC 0.00001.
gnomAD v4.1: 5 of 1,613,784 alleles (0.00031%); highest among the groups gnomAD compares: Non-Finnish European, 0.00042%; no homozygotes.

Submissions (2):

Ambry Genetics
Classification: Uncertain significance for Inborn genetic diseases. Last evaluated: 2025-06-07. Review status: criteria provided, single submitter. Criteria: Ambry Variant Classification Scheme 2023. Collection method: clinical testing. Allele origin: germline.

Labcorp Genetics (formerly Invitae), Labcorp
Classification: Uncertain significance. Last evaluated: 2022-05-04. Review status: criteria provided, single submitter. Criteria: Invitae Variant Classification Sherloc (09022015). Collection method: clinical testing. Allele origin: germline.
Comment: This sequence change replaces leucine, which is neutral and non-polar, with valine, which is neutral and non-polar, at codon 633 of the C7 protein (p.Leu633Val). This variant is present in population databases (rs748589147, gnomAD 0.0009%). This variant has not been reported in the literature in individuals affected with C7-related conditions. Algorithms developed to predict the effect of missense changes on protein structure and function (SIFT, PolyPhen-2, Align-GVGD) all suggest that this variant is likely to be tolerated. In summary, the available evidence is currently insufficient to determine the role of this variant in disease. Therefore, it has been classified as a Variant of Uncertain Significance.